The following is an entry in ClinVar:

ClinVar aggregate classification (germline): Uncertain significance (1 of 4 stars; one submission).

gnomAD v4.1: 3 of 1,614,160 alleles (0.00019%); highest among the groups gnomAD compares: East Asian, 0.0045%; no homozygotes.

Submission:

Ambry Genetics
Classification: Uncertain significance. Last evaluated: 2026-08-08. Review status: criteria provided, single submitter. Criteria: Ambry Variant Classification Scheme 2023. Collection method: clinical testing. Allele origin: germline.
Comment: The p.T1341A variant (also known as c.4021A>G), located in coding exon 14 of the CDK12 gene, results from an A to G substitution at nucleotide position 4021. The threonine at codon 1341 is replaced by alanine, an amino acid with similar properties. This amino acid position is conserved. In addition, this alteration is predicted to be tolerated by in silico analysis. Based on the available evidence, the clinical significance of this variant remains unclear.

NM_016507.4(CDK12):c.4021A>G (p.Thr1341Ala)

Gene: CDK12 (cyclin dependent kinase 12; plus strand). Cytogenetic location: 17q12.
Variant type: single nucleotide variant.
Coding change: c.4021A>G on transcript NM_016507.4 (MANE Select); coding-DNA position 4021, A replaced by G.
Protein change: p.Thr1341Ala; replaces threonine 1341 with alanine.
Molecular consequence: missense variant.
Genome position (GRCh38, 1-based): chr17:39,530,864, A>G. VCF-style: chr17-39530864-A-G. GRCh37 (hg19) VCF-style: chr17-37687117-A-G.
Other names: c.3994A>G, p.Thr1332Ala (NM_015083.4); short protein forms T1332A, T1341A.
Identifiers: ClinVar variation 5034143 (VCV005034143.1).